The following is an entry in ClinVar:

NM_000787.4(DBH):c.692G>A (p.Trp231Ter)

Gene: DBH (dopamine beta-hydroxylase; plus strand). Cytogenetic location: 9q34.2.
Variant type: single nucleotide variant.
Coding change: c.692G>A on transcript NM_000787.4 (MANE Select); coding-DNA position 692, G replaced by A.
Protein change: p.Trp231Ter; replaces tryptophan 231 with a stop codon.
Molecular consequence: nonsense.
Genome position (GRCh38, 1-based): chr9:133,642,412, G>A. VCF-style: chr9-133642412-G-A. GRCh37 (hg19) VCF-style: chr9-136507534-G-A.
Other names: short protein forms W231*.
Identifiers: ClinVar variation 4885088 (VCV004885088.2).

ClinVar aggregate classification (germline): Likely pathogenic (1 of 4 stars; one submission).

gnomAD v4.1: 1 of 1,613,780 alleles (0.000062%); highest among the groups gnomAD compares: Non-Finnish European, 0.000085%; no homozygotes.

Submission:

Dasa
Classification: Likely pathogenic. Last evaluated: 2025-10-03. Review status: criteria provided, single submitter. Criteria: DASA Assertion Criteria. Collection method: clinical testing. Allele origin: germline.
Comment: NM_000787.4(DBH):c.692G>A (p.Trp231*) is a nonsense variant in DBH predicted to introduce a premature termination codon and is predicted to result in an absent or altered protein product. Loss of function is an established disease mechanism for DBH-associated disorders. Also, this variant is rare in population databases. Based on the currently available evidence, this variant is classified as likely pathogenic.